The following is an entry in ClinVar:

ClinVar aggregate classification (germline): Likely benign (0 of 4 stars; one submission).

Conditions:
MYO18B-related disorder. Also called: MYO18B-related condition.

Submission:

PreventionGenetics, part of Exact Sciences
Classification: Likely benign for MYO18B-related condition. Last evaluated: 2024-04-04. Review status: no assertion criteria provided. Collection method: clinical testing. Allele origin: germline.
Comment: This variant is classified as likely benign based on ACMG/AMP sequence variant interpretation guidelines (Richards et al. 2015 PMID: 25741868, with internal and published modifications).

NM_032608.7(MYO18B):c.4434+4A>C

Genes: MYO18B (myosin XVIIIB; plus strand), MYO18B-AS1 (MYO18B antisense RNA 1; minus strand). Cytogenetic location: 22q12.1.
Variant type: single nucleotide variant.
Coding change: c.4434+4A>C on transcript NM_032608.7 (MANE Select); 4 bases into the intron after coding-DNA position 4434, A replaced by C.
Molecular consequence: intron variant.
Genome position (GRCh38, 1-based): chr22:25,890,879, A>C. VCF-style: chr22-25890879-A-C. GRCh37 (hg19) VCF-style: chr22-26286846-A-C.
Other names: c.4437+4A>C (NM_001318245.2).
Identifiers: ClinVar variation 3357906 (VCV003357906.1).
Genomic context (GRCh38, chr22:25,890,879, plus strand): 5'-CTGGAGAGTGAGCGGGCAGAGCGGCTACAGGCCTTCCGGGAGGTCCAGGAGCTCAAGGTG[A>C]GTGGTCAGGGGTGGCCAGGGGTGGCTGAACACGGTGGCTAAAAATGGTTGGGTCTGCTCC-3'